The following is an entry in ClinVar:

ClinVar aggregate classification (germline): Conflicting classifications of pathogenicity. Review status: criteria provided, conflicting classifications (1 of 4 stars). 3 submissions from 3 submitters: Uncertain significance (1); Likely benign (2). Last evaluated 2024-11-08.

Conditions:
Papillary renal cell carcinoma type 1 (RCCP1). Also called: Renal adenocarcinoma; Renal cell carcinoma 1; Renal cell carcinoma, somatic; RENAL CELL CARCINOMA, PAPILLARY, 1, SOMATIC. Identifiers: Orphanet 47044, MedGen C1336839, OMIM 605074, HP:0011797.
Renal cell carcinoma. Identifiers: Orphanet 217071, MedGen C0007134, MeSH D002292, MONDO:0005086, HP:0005584.
Hereditary cancer-predisposing syndrome. Also called: Tumor predisposition; Hereditary Cancer Syndrome; Neoplastic Syndromes, Hereditary; Hereditary neoplastic syndrome. Identifiers: Orphanet 140162, MedGen C0027672, MeSH D009386, MONDO:0015356.

Allele frequency attached by ClinVar (database versions not stated): TOPMed below 0.00001; ExAC 0.00001.

Submissions (3):

Myriad Genetics, Inc.
Classification: Likely benign for Papillary renal cell carcinoma type 1. Last evaluated: 2024-11-08. Review status: criteria provided, single submitter. Criteria: Myriad Autosomal Dominant, Autosomal Recessive and X-Linked Classification Criteria (2023). Collection method: clinical testing. Allele origin: unknown.
Comment: This variant is considered likely benign. This variant is intronic and is not expected to impact mRNA splicing.

Ambry Genetics
Classification: Uncertain significance for Hereditary cancer-predisposing syndrome. Last evaluated: 2024-08-26. Review status: criteria provided, single submitter. Criteria: Ambry Variant Classification Scheme 2023. Collection method: clinical testing. Allele origin: germline.
Comment: The c.1863-5T>C intronic variant results from a T to C substitution 5 nucleotides upstream from coding exon 6 in the MET gene. This nucleotide position is well conserved in available vertebrate species. In silico splice site analysis predicts that this alteration will not have any significant effect on splicing. Based on the available evidence, the clinical significance of this variant remains unclear.

Labcorp Genetics (formerly Invitae), Labcorp
Classification: Likely benign for Renal cell carcinoma. Last evaluated: 2022-04-21. Review status: criteria provided, single submitter. Criteria: Invitae Variant Classification Sherloc (09022015). Collection method: clinical testing. Allele origin: germline.

NM_000245.4(MET):c.1863-5T>C

Gene: MET (MET proto-oncogene, receptor tyrosine kinase; plus strand). Cytogenetic location: 7q31.2.
Variant type: single nucleotide variant.
Coding change: c.1863-5T>C on transcript NM_000245.4 (MANE Select); 5 bases into the intron before coding-DNA position 1863, T replaced by C.
Molecular consequence: intron variant.
Genome position (GRCh38, 1-based): chr7:116,757,432, T>C. VCF-style: chr7-116757432-T-C. GRCh37 (hg19) VCF-style: chr7-116397486-T-C.
Other names: c.1863-5T>C (NM_001127500.3, NM_001324401.3, NM_001127500.1); c.573-5T>C (NM_001324402.2).
Identifiers: ClinVar variation 1109633 (VCV001109633.11), dbSNP rs751421114, ClinGen allele CA4448311.
Genomic context (GRCh38, chr7:116,757,432, plus strand): 5'-TAAAACAACCTAACCAGAAAATTCCTTGGATTTGTCATGTATTAAACTTTGGGTTTTTTT[T>C]CCAGATTGAAATGCACAGTTGGTCCTGCCATGAATAAGCATTTCAATATGTCCATAATTA-3'